The following is an entry in ClinVar:

ClinVar aggregate classification (germline): Uncertain significance (1 of 4 stars; one submission).

Submission:

GeneDx
Classification: Uncertain significance. Last evaluated: 2025-04-14. Review status: criteria provided, single submitter. Criteria: GeneDx Variant Classification Process June 2021. Collection method: clinical testing. Allele origin: germline. Affected: yes.
Comment: Not observed at significant frequency in large population cohorts (gnomAD); In silico analysis indicates that this missense variant does not alter protein structure/function; Has not been previously published as pathogenic or benign to our knowledge

NM_005257.6(GATA6):c.328G>A (p.Glu110Lys)

Gene: GATA6 (GATA binding protein 6; plus strand). Cytogenetic location: 18q11.2.
Variant type: single nucleotide variant.
Coding change: c.328G>A on transcript NM_005257.6 (MANE Select); coding-DNA position 328, G replaced by A.
Protein change: p.Glu110Lys; replaces glutamic acid 110 with lysine.
Molecular consequence: missense variant.
Genome position (GRCh38, 1-based): chr18:22,171,472, G>A. VCF-style: chr18-22171472-G-A. GRCh37 (hg19) VCF-style: chr18-19751433-G-A.
Other names: short protein forms E110K.
Identifiers: ClinVar variation 4282249 (VCV004282249.1).
Genomic context (GRCh38, chr18:22,171,472, plus strand): 5'-GCTCCCCACGGACCTTCGGCGCCTGGGGTCGCGGGCCCCGGGGGCAACCTGTCGAGCTGG[G>A]AGGACTTGCTGCTGTTCACTGACCTCGACCAAGCCGCGACCGCCAGCAAGCTGCTGTGGT-3'
Protein context (NP_005248.2, residues 100-120): AGPGGNLSSW[Glu110Lys]DLLLFTDLDQ